The following is an entry in ClinVar:

NM_004973.4(JARID2):c.3160A>G (p.Lys1054Glu)

Gene: JARID2 (jumonji and AT-rich interaction domain containing 2; plus strand). Cytogenetic location: 6p22.3.
Variant type: single nucleotide variant.
Coding change: c.3160A>G on transcript NM_004973.4 (MANE Select); coding-DNA position 3160, A replaced by G.
Protein change: p.Lys1054Glu; replaces lysine 1054 with glutamic acid.
Molecular consequence: missense variant.
Genome position (GRCh38, 1-based): chr6:15,512,939, A>G. VCF-style: chr6-15512939-A-G. GRCh37 (hg19) VCF-style: chr6-15513170-A-G.
Other names: c.2644A>G, p.Lys882Glu (NM_001267040.1); short protein forms K1054E, K882E.
Identifiers: ClinVar variation 4858558 (VCV004858558.1).

ClinVar aggregate classification (germline): Uncertain significance (1 of 4 stars; one submission).

Conditions:
Inborn genetic diseases. Identifiers: MedGen C0950123, MeSH D030342.

Submission:

Ambry Genetics
Classification: Uncertain significance for Inborn genetic diseases. Last evaluated: 2026-04-01. Review status: criteria provided, single submitter. Criteria: Ambry Variant Classification Scheme 2023. Collection method: clinical testing. Allele origin: germline.
Comment: The c.3160A>G (p.K1054E) alteration is located in exon 15 (coding exon 15) of the JARID2 gene. This alteration results from an A to G substitution at nucleotide position 3160, causing the lysine (K) at amino acid position 1054 to be replaced by a glutamic acid (E). This variant was not reported in population-based cohorts in the Genome Aggregation Database (gnomAD). This amino acid position is highly conserved in available vertebrate species. The in silico prediction for this alteration is inconclusive. Based on insufficient or conflicting evidence, the clinical significance of this alteration remains unclear.